The following is an entry in ClinVar:

NM_004370.6(COL12A1):c.4040C>T (p.Ala1347Val)

Gene: COL12A1 (collagen type XII alpha 1 chain; minus strand). Cytogenetic location: 6q13.
Variant type: single nucleotide variant.
Coding change: c.4040C>T on transcript NM_004370.6 (MANE Select); coding-DNA position 4040, C replaced by T.
Protein change: p.Ala1347Val; replaces alanine 1347 with valine.
Molecular consequence: missense variant.
Genome position (GRCh38, 1-based): chr6:75,151,248, G>A on the plus strand (C>T on the coding strand, the complement: COL12A1 is on the minus strand). VCF-style: chr6-75151248-G-A. GRCh37 (hg19) VCF-style: chr6-75860964-G-A.
Other names: c.548C>T, p.Ala183Val (NM_080645.3); short protein forms A183V, A1347V.
Identifiers: ClinVar variation 1902940 (VCV001902940.5), dbSNP rs1767471223, ClinGen allele CA364747242.

ClinVar aggregate classification (germline): Uncertain significance (1 of 4 stars; one submission).

Conditions:
Ullrich congenital muscular dystrophy 2 (UCMD2). Identifiers: Orphanet 75840, MedGen C4225314, MONDO:0014654, OMIM 616470.
Bethlem myopathy 2 (BTHLM2). Identifiers: Orphanet 536516, Orphanet 610, MedGen C4225313, MONDO:0034022, OMIM 616471.

Allele frequency attached by ClinVar (database versions not stated): TOPMed 0.00001.

Submission:

Labcorp Genetics (formerly Invitae), Labcorp
Classification: Uncertain significance for Bethlem myopathy 2; Ullrich congenital muscular dystrophy 2. Last evaluated: 2025-07-24. Review status: criteria provided, single submitter. Criteria: Invitae Variant Classification Sherloc (09022015). Collection method: clinical testing. Allele origin: germline.
Comment: This sequence change replaces alanine, which is neutral and non-polar, with valine, which is neutral and non-polar, at codon 1347 of the COL12A1 protein (p.Ala1347Val). This variant is not present in population databases (gnomAD no frequency). This variant has not been reported in the literature in individuals affected with COL12A1-related conditions. ClinVar contains an entry for this variant (Variation ID: 1902940). Invitae Evidence Modeling of protein sequence and biophysical properties (such as structural, functional, and spatial information, amino acid conservation, physicochemical variation, residue mobility, and thermodynamic stability) indicates that this missense variant is not expected to disrupt COL12A1 protein function with a negative predictive value of 80%. In summary, the available evidence is currently insufficient to determine the role of this variant in disease. Therefore, it has been classified as a Variant of Uncertain Significance.